The following is an entry in ClinVar:

NM_005896.4(IDH1):c.530G>A (p.Gly177Asp)

Gene: IDH1 (isocitrate dehydrogenase (NADP(+)) 1; minus strand). Cytogenetic location: 2q34.
Variant type: single nucleotide variant.
Coding change: c.530G>A on transcript NM_005896.4 (MANE Select); coding-DNA position 530, G replaced by A.
Protein change: p.Gly177Asp; replaces glycine 177 with aspartic acid.
Molecular consequence: missense variant.
Genome position (GRCh38, 1-based): chr2:208,243,595, C>T on the plus strand (G>A on the coding strand, the complement: IDH1 is on the minus strand). VCF-style: chr2-208243595-C-T. GRCh37 (hg19) VCF-style: chr2-209108319-C-T.
Other names: c.530G>A, p.Gly177Asp (NM_001282386.1, NM_001282387.1); short protein forms G177D.
Identifiers: ClinVar variation 1746756 (VCV001746756.3), dbSNP rs149205273, ClinGen allele CA2078970.

ClinVar aggregate classification (germline): Uncertain significance (1 of 4 stars; one submission).

Allele frequency attached by ClinVar (database versions not stated): gnomAD exomes below 0.00001; ExAC 0.00003; TOPMed 0.00005; gnomAD 0.00006; ESP Exome Variant Server 0.00023.
gnomAD v4.1: 15 of 1,612,882 alleles (0.00093%); highest among the groups gnomAD compares: African/African-American, 0.019%; no homozygotes.

Submission:

Ambry Genetics
Classification: Uncertain significance. Last evaluated: 2024-05-10. Review status: criteria provided, single submitter. Criteria: Ambry Variant Classification Scheme 2023. Collection method: clinical testing. Allele origin: germline.
Comment: The p.G177D variant (also known as c.530G>A), located in coding exon 4 of the IDH1 gene, results from a G to A substitution at nucleotide position 530. The glycine at codon 177 is replaced by aspartic acid, an amino acid with similar properties. This amino acid position is conserved. In addition, this alteration is predicted to be deleterious by in silico analysis. Since supporting evidence is limited at this time, the clinical significance of this alteration remains unclear.